The following is an entry in ClinVar:

NM_000719.7(CACNA1C):c.2825C>T (p.Thr942Ile)

Gene: CACNA1C (calcium voltage-gated channel subunit alpha1 C; plus strand). Cytogenetic location: 12p13.33.
Variant type: single nucleotide variant.
Coding change: c.2825C>T on transcript NM_000719.7 (MANE Select); coding-DNA position 2825, C replaced by T.
Protein change: p.Thr942Ile; replaces threonine 942 with isoleucine.
Molecular consequence: missense variant. On other transcripts: intron variant (8).
Genome position (GRCh38, 1-based): chr12:2,597,261, C>T. VCF-style: chr12-2597261-C-T. GRCh37 (hg19) VCF-style: chr12-2706427-C-T.
Other names: c.2825C>T, p.Thr942Ile (NM_001129827.2, NM_001129829.2, NM_001129831.2 and 10 more transcripts); c.2816C>T, p.Thr939Ile (NM_001129844.2); c.2794-176C>T (NM_001129840.2, NM_001129836.2, NM_001129841.2 and 5 more transcripts); short protein forms T939I, T942I.
Identifiers: ClinVar variation 3681810 (VCV003681810.2).

ClinVar aggregate classification (germline): Uncertain significance (1 of 4 stars; one submission).

Conditions:
Long QT syndrome (LQTS). Identifiers: MedGen C0023976, MeSH D008133, MONDO:0002442. Disease mechanism: loss of function. Inheritance: Various modes of inheritance.

Submission:

Labcorp Genetics (formerly Invitae), Labcorp
Classification: Uncertain significance for Long QT syndrome. Last evaluated: 2024-02-23. Review status: criteria provided, single submitter. Criteria: Invitae Variant Classification Sherloc (09022015). Collection method: clinical testing. Allele origin: germline.
Comment: This sequence change replaces threonine, which is neutral and polar, with isoleucine, which is neutral and non-polar, at codon 942 of the CACNA1C protein (p.Thr942Ile). This variant is not present in population databases (gnomAD no frequency). This variant has not been reported in the literature in individuals affected with CACNA1C-related conditions. Advanced modeling of protein sequence and biophysical properties (such as structural, functional, and spatial information, amino acid conservation, physicochemical variation, residue mobility, and thermodynamic stability) performed at Invitae indicates that this missense variant is not expected to disrupt CACNA1C protein function with a negative predictive value of 95%. In summary, the available evidence is currently insufficient to determine the role of this variant in disease. Therefore, it has been classified as a Variant of Uncertain Significance.